The following is an entry in ClinVar:

ClinVar aggregate classification (germline): Uncertain significance. Review status: criteria provided, multiple submitters, no conflicts (2 of 4 stars). 3 submissions from 3 submitters: Uncertain significance (3). Last evaluated 2026-04-24.

Conditions:
Cardiovascular phenotype. Identifiers: MedGen CN230736.
Brugada syndrome 8 (BRGDA8). Identifiers: Orphanet 130, MedGen C2751083, MONDO:0013148, OMIM 613123.

Allele frequency attached by ClinVar (database versions not stated): gnomAD 0.00001; TOPMed 0.00002.
gnomAD v4.1: 6 of 1,610,528 alleles (0.00037%); highest among the groups gnomAD compares: African/African-American, 0.0013%; no homozygotes.

Submissions (3):

Women's Health and Genetics/Laboratory Corporation of America, LabCorp
Classification: Uncertain significance. Last evaluated: 2026-04-24. Review status: criteria provided, single submitter. Criteria: LabCorp Variant Classification Summary - May 2015. Collection method: clinical testing. Allele origin: germline.

Labcorp Genetics (formerly Invitae), Labcorp
Classification: Uncertain significance for Brugada syndrome 8. Last evaluated: 2025-08-10. Review status: criteria provided, single submitter. Criteria: Invitae Variant Classification Sherloc (09022015). Collection method: clinical testing. Allele origin: germline.
Comment: This sequence change replaces phenylalanine, which is neutral and non-polar, with serine, which is neutral and polar, at codon 1168 of the HCN4 protein (p.Phe1168Ser). This variant is not present in population databases (gnomAD no frequency). This variant has not been reported in the literature in individuals affected with HCN4-related conditions. ClinVar contains an entry for this variant (Variation ID: 835426). Invitae Evidence Modeling of protein sequence and biophysical properties (such as structural, functional, and spatial information, amino acid conservation, physicochemical variation, residue mobility, and thermodynamic stability) indicates that this missense variant is not expected to disrupt HCN4 protein function with a negative predictive value of 95%. In summary, the available evidence is currently insufficient to determine the role of this variant in disease. Therefore, it has been classified as a Variant of Uncertain Significance.

Ambry Genetics
Classification: Uncertain significance for Cardiovascular phenotype. Last evaluated: 2025-02-15. Review status: criteria provided, single submitter. Criteria: Ambry Variant Classification Scheme 2023. Collection method: clinical testing. Allele origin: germline.
Comment: The p.F1168S variant (also known as c.3503T>C), located in coding exon 8 of the HCN4 gene, results from a T to C substitution at nucleotide position 3503. The phenylalanine at codon 1168 is replaced by serine, an amino acid with highly dissimilar properties. This amino acid position is conserved. In addition, the in silico prediction for this alteration is inconclusive. Based on the available evidence, the clinical significance of this variant remains unclear.

NM_005477.3(HCN4):c.3503T>C (p.Phe1168Ser)

Gene: HCN4 (hyperpolarization activated cyclic nucleotide gated potassium channel 4; minus strand). Cytogenetic location: 15q24.1.
Variant type: single nucleotide variant.
Coding change: c.3503T>C on transcript NM_005477.3 (MANE Select); coding-DNA position 3503, T replaced by C.
Protein change: p.Phe1168Ser; replaces phenylalanine 1168 with serine.
Molecular consequence: missense variant.
Genome position (GRCh38, 1-based): chr15:73,322,590, A>G on the plus strand (T>C on the coding strand, the complement: HCN4 is on the minus strand). VCF-style: chr15-73322590-A-G. GRCh37 (hg19) VCF-style: chr15-73614931-A-G.
Other names: short protein forms F1168S.
Identifiers: ClinVar variation 835426 (VCV000835426.12), dbSNP rs1374291021, ClinGen allele CA393085090.